The following is an entry in ClinVar:

NM_000017.4(ACADS):c.224del (p.Gly75fs)

Gene: ACADS (acyl-CoA dehydrogenase short chain; plus strand). Cytogenetic location: 12q24.31.
Variant type: Deletion.
Coding change: c.224del on transcript NM_000017.4 (MANE Select); coding-DNA position 224, one base deleted (G; older notation c.224delG).
Protein change: p.Gly75fs; shifts the reading frame from glycine 75.
Molecular consequence: frameshift variant.
Genome position (GRCh38, 1-based): chr12:120,736,999, G deleted; the last of 3 consecutive G bases (chr12:120,736,997-120,736,999); deleting any one gives the same sequence. VCF-style (leftmost placement, unchanged base first): chr12-120736996-TG-T. GRCh37 (hg19) VCF-style: chr12-121174799-TG-T.
Other names: c.224del, p.Gly75fs (NM_001302554.2); short protein forms G75fs.
Identifiers: ClinVar variation 1726868 (VCV001726868.2), dbSNP rs2501187551, ClinGen allele CA2580085886.

ClinVar aggregate classification (germline): Likely pathogenic (1 of 4 stars; one submission).

Conditions:
Deficiency of butyryl-CoA dehydrogenase (ACADSD). Also called: SCADH DEFICIENCY; SCAD DEFICIENCY, MILD; ACYL-CoA DEHYDROGENASE, SHORT-CHAIN, DEFICIENCY OF; Short-Chain Acyl-CoA Dehydrogenase Deficiency; SCAD Deficiency; ACADS DEFICIENCY. Identifiers: Orphanet 26792, MedGen C0342783, MONDO:0008722, OMIM 201470. Disease mechanism: May be benign.

Submission:

Myriad Genetics, Inc.
Classification: Likely pathogenic for Deficiency of butyryl-CoA dehydrogenase. Last evaluated: 2022-01-02. Review status: criteria provided, single submitter. Criteria: Myriad Women's Health Autosomal Recessive and X-Linked Classification Criteria (2021). Collection method: clinical testing. Allele origin: unknown.
Comment: NM_000017.2(ACADS):c.224delG(G75Afs*42) is expected to be pathogenic in the context of short-chain acyl-CoA dehydrogenase deficiency. This variant is predicted to lead to an abnormal or absent protein product due to the creation of a premature termination codon in ACADS, a gene where loss-of-function variants are known to be pathogenic. Please note: this variant was assessed in the context of healthy population screening.